The following is an entry in ClinVar:

ClinVar aggregate classification (germline): Uncertain significance (1 of 4 stars; one submission).

gnomAD v4.1: 1 of 1,613,654 alleles (0.000062%); highest among the groups gnomAD compares: Non-Finnish European, 0.000085%; no homozygotes.

Submission:

GeneDx
Classification: Uncertain significance. Last evaluated: 2022-12-15. Review status: criteria provided, single submitter. Criteria: GeneDx Variant Classification Process June 2021. Collection method: clinical testing. Allele origin: germline. Affected: yes.
Comment: Not observed at significant frequency in large population cohorts (gnomAD); In silico analysis supports that this missense variant has a deleterious effect on protein structure/function; Has not been previously published as pathogenic or benign to our knowledge

NM_003590.5(CUL3):c.485G>C (p.Arg162Pro)

Gene: CUL3 (cullin 3; minus strand). Cytogenetic location: 2q36.2.
Variant type: single nucleotide variant.
Coding change: c.485G>C on transcript NM_003590.5 (MANE Select); coding-DNA position 485, G replaced by C.
Protein change: p.Arg162Pro; replaces arginine 162 with proline.
Molecular consequence: missense variant.
Genome position (GRCh38, 1-based): chr2:224,514,666, C>G on the plus strand (G>C on the coding strand, the complement: CUL3 is on the minus strand). VCF-style: chr2-224514666-C-G. GRCh37 (hg19) VCF-style: chr2-225379383-C-G.
Other names: c.287G>C, p.Arg96Pro (NM_001257197.2); c.503G>C, p.Arg168Pro (NM_001257198.2); short protein forms R162P, R168P, R96P.
Identifiers: ClinVar variation 2505585 (VCV002505585.1), dbSNP rs370818707, ClinGen allele CA2140195.